The following is an entry in ClinVar:

ClinVar aggregate classification (germline): Uncertain significance (1 of 4 stars; one submission).

Conditions:
DK1-congenital disorder of glycosylation. Also called: DK1-CDG; DOLK-congenital disorder of glycosylation; Carbohydrate deficient glycoprotein syndrome type 1m; DK1 DEFICIENCY; DOLICHOL KINASE DEFICIENCY; CONGENITAL DISORDER OF GLYCOSYLATION, TYPE Im. Identifiers: Orphanet 91131, MedGen C1835849, MONDO:0012556, OMIM 610768.

Submission:

Labcorp Genetics (formerly Invitae), Labcorp
Classification: Uncertain significance for DK1-congenital disorder of glycosylation. Last evaluated: 2021-11-29. Review status: criteria provided, single submitter. Criteria: Invitae Variant Classification Sherloc (09022015). Collection method: clinical testing. Allele origin: germline.
Comment: In summary, the available evidence is currently insufficient to determine the role of this variant in disease. Therefore, it has been classified as a Variant of Uncertain Significance. Algorithms developed to predict the effect of missense changes on protein structure and function (SIFT, PolyPhen-2, Align-GVGD) all suggest that this variant is likely to be disruptive. This variant has not been reported in the literature in individuals affected with DOLK-related conditions. This variant is not present in population databases (gnomAD no frequency). This sequence change replaces phenylalanine, which is neutral and non-polar, with cysteine, which is neutral and slightly polar, at codon 174 of the DOLK protein (p.Phe174Cys).

NM_014908.4(DOLK):c.521T>G (p.Phe174Cys)

Gene: DOLK (dolichol kinase; minus strand). Cytogenetic location: 9q34.11.
Variant type: single nucleotide variant.
Coding change: c.521T>G on transcript NM_014908.4 (MANE Select); coding-DNA position 521, T replaced by G.
Protein change: p.Phe174Cys; replaces phenylalanine 174 with cysteine.
Molecular consequence: missense variant.
Genome position (GRCh38, 1-based): chr9:128,946,783, A>C on the plus strand (T>G on the coding strand, the complement: DOLK is on the minus strand). VCF-style: chr9-128946783-A-C. GRCh37 (hg19) VCF-style: chr9-131709062-A-C.
Other names: short protein forms F174C.
Identifiers: ClinVar variation 1462552 (VCV001462552.4), dbSNP rs2131128535, ClinGen allele CA375125218.